The following is an entry in ClinVar:

ClinVar aggregate classification (germline): Uncertain significance (1 of 4 stars; one submission).

Submission:

GeneDx
Classification: Uncertain significance. Last evaluated: 2025-08-07. Review status: criteria provided, single submitter. Criteria: GeneDx Variant Classification Process June 2021. Collection method: clinical testing. Allele origin: germline. Affected: yes.
Comment: Not observed at significant frequency in large population cohorts (gnomAD); In-frame deletion of 1 amino acid in a non-repeat region; In silico analysis supports a deleterious effect on protein structure/function; Has not been previously published as pathogenic or benign to our knowledge

NM_006790.3(MYOT):c.461AAG[1] (p.Glu155del)

Genes: MYOT (myotilin; plus strand), PKD2L2-DT (PKD2L2 divergent transcript; minus strand). Cytogenetic location: 5q31.2.
Variant type: Microsatellite.
Coding change: c.461AAG[1] on transcript NM_006790.3 (MANE Select); one copy of the 3-base unit AAG starting at c.461; the reference has two copies in a row; one copy, 3 bases deleted; also written c.464_466del.
Protein change: p.Glu155del; deletes glutamic acid 155.
Molecular consequence: 5 prime UTR variant (on NM_001135940.2). On other transcripts: inframe indel (2).
Genome position (GRCh38, 1-based): chr5:137,875,936-137,875,938, AAG deleted; deleting any 3 consecutive bases within chr5:137,875,933-137,875,938 gives the same sequence; the position shown is the placement nearest the transcript's 3' end. VCF-style (leftmost placement, unchanged base first): chr5-137875932-AAAG-A. GRCh37 (hg19) VCF-style: chr5-137211621-AAAG-A.
Other names: c.-92AAG[1] (NM_001135940.2); c.116AAG[1], p.Glu40del (NM_001300911.2); c.461_463AAG[1], p.Glu155del (NM_006790.2); c.464_466del (NM_006790.2); short protein forms E155del, E40del.
Identifiers: ClinVar variation 4755915 (VCV004755915.1).
Genomic context (GRCh38, chr5:137,875,932, plus strand): 5'-TCCCAAACTGCAAATGCTAAGCCCATACCAAGAACTCCTGATCATGAAATACAAGGATCA[AAAG>A]AAGCTTTGATTCAAGATTTGGAAAGAAAGCTGAAATGCAAGGACACCCTTCTTCATAATG-3'